The following is an entry in ClinVar:

NM_000540.3(RYR1):c.9861C>T (p.Arg3287=)

Gene: RYR1 (ryanodine receptor 1; plus strand). Cytogenetic location: 19q13.2.
Variant type: single nucleotide variant.
Coding change: c.9861C>T on transcript NM_000540.3 (MANE Select); coding-DNA position 9861, C replaced by T.
Protein change: p.Arg3287=; no amino-acid change (arginine 3287 retained).
Molecular consequence: synonymous variant.
Genome position (GRCh38, 1-based): chr19:38,517,534, C>T. VCF-style: chr19-38517534-C-T. GRCh37 (hg19) VCF-style: chr19-39008174-C-T.
Other names: c.9861C>T, p.Arg3287= (NM_001042723.2).
Identifiers: ClinVar variation 256589 (VCV000256589.11), dbSNP rs375156852, ClinGen allele CA074250.

ClinVar aggregate classification (germline): Likely benign. Review status: criteria provided, multiple submitters, no conflicts (2 of 4 stars). 4 submissions from 4 submitters: Likely benign (4). Last evaluated 2025-09-28.

Conditions:
RYR1-related disorder. Also called: RYR1-related condition; RYR1-related disorders. Identifiers: MedGen CN239331.
Malignant hyperthermia, susceptibility to, 1 (MHS1). Also called: RYR1-Related Malignant Hyperthermia Susceptibility; Anesthesia related hyperthermia; Malignant hyperpyrexia; Fulminating hyperpyrexia; Pharmacogenic myopathy; Malignant hyperthermia suceptibility 1. Identifiers: Orphanet 423, MedGen C2930980, MONDO:0007783, OMIM 145600.

Allele frequency attached by ClinVar (database versions not stated): gnomAD 0.00001; gnomAD exomes 0.00002; TOPMed 0.00002; ExAC 0.00003; ESP Exome Variant Server 0.00008.
gnomAD v4.1: 31 of 1,613,758 alleles (0.0019%); highest among the groups gnomAD compares: East Asian, 0.027%; no homozygotes.

Submissions (4):

Labcorp Genetics (formerly Invitae), Labcorp
Classification: Likely benign for RYR1-related disorder. Last evaluated: 2025-09-28. Review status: criteria provided, single submitter. Criteria: Invitae Variant Classification Sherloc (09022015). Collection method: clinical testing. Allele origin: germline.

All of Us Research Program, National Institutes of Health
Classification: Likely benign for Malignant hyperthermia, susceptibility to, 1. Last evaluated: 2023-05-15. Review status: criteria provided, single submitter. Criteria: ACMG Guidelines, 2015. Collection method: clinical testing. Allele origin: germline. Inheritance: Autosomal dominant inheritance. Observed: 2 variant alleles, 2 heterozygotes.
Comment: This study involves interpretation of variants in research participants for the purpose of population health screening. Participant phenotype was not available at the time of variant classification. Additional details can be found in publication PMID: 35346344, PMCID: PMC8962531

Color Diagnostics, LLC DBA Color Health
Classification: Likely benign for Malignant hyperthermia, susceptibility to, 1. Last evaluated: 2022-11-06. Review status: criteria provided, single submitter. Criteria: ACMG Guidelines, 2015. Collection method: clinical testing. Allele origin: germline.

PreventionGenetics, part of Exact Sciences
Classification: Likely benign. Review status: criteria provided, single submitter. Criteria: ACMG Guidelines, 2015. Collection method: clinical testing. Allele origin: germline.